The following is an entry in ClinVar:

ClinVar aggregate classification (germline): Uncertain significance (1 of 4 stars; one submission).

Conditions:
Acyl-CoA oxidase deficiency. Also called: STRAIGHT-CHAIN ACYL-CoA OXIDASE DEFICIENCY; Pseudoneonatal adrenoleukodystrophy; Peroxisomal acyl-CoA oxidase deficiency. Identifiers: Orphanet 2971, MedGen C1849678, MONDO:0009919, OMIM 264470. Disease mechanism: loss of function.

Allele frequency attached by ClinVar (database versions not stated): gnomAD 0.00001; gnomAD exomes 0.00002; TOPMed 0.00002; ExAC 0.00003; ESP Exome Variant Server 0.00008.
gnomAD v4.1: 14 of 1,613,428 alleles (0.00087%); highest among the groups gnomAD compares: African/African-American, 0.0053%; no homozygotes.

Submission:

Labcorp Genetics (formerly Invitae), Labcorp
Classification: Uncertain significance for Acyl-CoA oxidase deficiency. Last evaluated: 2021-07-21. Review status: criteria provided, single submitter. Criteria: Invitae Variant Classification Sherloc (09022015). Collection method: clinical testing. Allele origin: germline.
Comment: This sequence change falls in intron 7 of the ACOX1 gene. It does not directly change the encoded amino acid sequence of the ACOX1 protein. This variant is present in population databases (rs8080880, ExAC 0.03%). This variant has not been reported in the literature in individuals with ACOX1-related disease. Algorithms developed to predict the effect of sequence changes on RNA splicing suggest that this variant may create or strengthen a splice site, but this prediction has not been confirmed by published transcriptional studies. In summary, the available evidence is currently insufficient to determine the role of this variant in disease. Therefore, it has been classified as a Variant of Uncertain Significance.

NM_004035.7(ACOX1):c.944+7A>G

Gene: ACOX1 (acyl-CoA oxidase 1; minus strand). Cytogenetic location: 17q25.1.
Variant type: single nucleotide variant.
Coding change: c.944+7A>G on transcript NM_004035.7 (MANE Select); 7 bases into the intron after coding-DNA position 944, A replaced by G.
Molecular consequence: intron variant.
Genome position (GRCh38, 1-based): chr17:75,953,444, T>C on the plus strand (A>G on the coding strand, the complement: ACOX1 is on the minus strand). VCF-style: chr17-75953444-T-C. GRCh37 (hg19) VCF-style: chr17-73949525-T-C.
Other names: c.944+7A>G (NM_007292.6); c.830+7A>G (NM_001185039.2).
Identifiers: ClinVar variation 2140238 (VCV002140238.1), dbSNP rs8080880, ClinGen allele CA8776887.
Genomic context (GRCh38, chr17:75,953,444, plus strand): 5'-TTCTGGGATCTGAATGGGGTAAAAACTAGGCCTTTGGTACTGAGCCCATCTAGGACCCTA[T>C]CCTTACCCTGGCTTGATTTCAGACTGGTGCCTCACAGCGCTGTATCGGATGGCAATGGTG-3'